The following is an entry in ClinVar:

ClinVar aggregate classification (germline): Pathogenic/Likely pathogenic. Review status: criteria provided, multiple submitters, no conflicts (2 of 4 stars). 8 submissions from 8 submitters: Pathogenic (6); Likely pathogenic (1). 1 of the submissions does not count toward it. Last evaluated 2024-06-30.

Conditions:
Familial thoracic aortic aneurysm and aortic dissection (TAAD). Also called: Thoracic aortic aneurysms and dissections. Identifiers: Orphanet 91387, MedGen C4707243, MONDO:0019625.
Arterial tortuosity syndrome (ATORS). Identifiers: Orphanet 3342, MedGen C1859726, MONDO:0008818, OMIM 208050.

Allele frequency attached by ClinVar (database versions not stated): gnomAD exomes below 0.00001; TOPMed 0.00002; gnomAD 0.00002; ESP Exome Variant Server 0.00008.
gnomAD v4.1: 10 of 1,614,006 alleles (0.00062%); highest among the groups gnomAD compares: African/African-American, 0.0027%; no homozygotes.

Submissions (8):

Labcorp Genetics (formerly Invitae), Labcorp
Classification: Pathogenic for Arterial tortuosity syndrome. Last evaluated: 2024-06-30. Review status: criteria provided, single submitter. Criteria: Invitae Variant Classification Sherloc (09022015). Collection method: clinical testing. Allele origin: germline.
Comment: This sequence change creates a premature translational stop signal (p.Arg444*) in the SLC2A10 gene. It is expected to result in an absent or disrupted protein product. Loss-of-function variants in SLC2A10 are known to be pathogenic (PMID: 17935213, 22488877, 23494979). This variant is present in population databases (rs370547023, gnomAD 0.004%). This premature translational stop signal has been observed in individual(s) with arterial tortuosity syndrome (PMID: 17163528). In at least one individual the data is consistent with being in trans (on the opposite chromosome) from a pathogenic variant. ClinVar contains an entry for this variant (Variation ID: 161101). For these reasons, this variant has been classified as Pathogenic.

Fulgent Genetics
Classification: Pathogenic for Arterial tortuosity syndrome. Last evaluated: 2024-04-12. Review status: criteria provided, single submitter. Criteria: ACMG Guidelines, 2015. Collection method: clinical testing. Allele origin: germline.

Women's Health and Genetics/Laboratory Corporation of America, LabCorp
Classification: Pathogenic for Arterial tortuosity syndrome. Last evaluated: 2024-04-08. Review status: criteria provided, single submitter. Criteria: LabCorp Variant Classification Summary - May 2015. Collection method: clinical testing. Allele origin: germline.
Comment: Variant summary: SLC2A10 c.1330C>T (p.Arg444X) results in a premature termination codon, predicted to cause absence of the protein due to nonsense mediated decay, which is a commonly known mechanism for disease. The variant allele was found at a frequency of 4e-06 in 251470 control chromosomes (gnomAD). c.1330C>T has been reported in the literature in an individual affected with Arterial Tortuosity Syndrome (Drera_2007). Experimental evidence from fibroblasts from the patient reported in Drera, et al showed the genotype resulted in markedly reduced transport of DAA through endomembranes (Nemeth_2016) as well as absence of the typical patterns of GLUT10 perinuclear and mitochondrial decoration via immunostaining (Gamberucci_2017). The following publications have been ascertained in the context of this evaluation (PMID: 17163528, 28829359, 27153185). ClinVar contains an entry for this variant (Variation ID: 161101). Based on the evidence outlined above, the variant was classified as pathogenic.

Ambry Genetics
Classification: Pathogenic for Familial thoracic aortic aneurysm and aortic dissection. Last evaluated: 2023-07-31. Review status: criteria provided, single submitter. Criteria: Ambry Variant Classification Scheme 2023. Collection method: clinical testing. Allele origin: germline.
Comment: The p.R444* pathogenic mutation (also known as c.1330C>T), located in coding exon 3 of the SLC2A10 gene, results from a C to T substitution at nucleotide position 1330. This changes the amino acid from an arginine to a stop codon within coding exon 3. This variant was has been detected in the compound heterozygous state with a second SLC2A10 alteration in an individual with arterial tortuosity syndrome (Drera B et al. Am J Med Genet A, 2007 Jan;143A:216-8). Functional studies have indicated this variant impacts protein function (Zoppi N et al. Hum Mol Genet, 2015 Dec;24:6769-87; N&eacute;meth CE et al. FEBS Lett, 2016 Jun;590:1630-40). This variant is considered to be rare based on population cohorts in the Genome Aggregation Database (gnomAD). In addition to the clinical data presented in the literature, this alteration is expected to result in loss of function by premature protein truncation or nonsense-mediated mRNA decay. As such, this alteration is interpreted as a disease-causing mutation.

Centre of Medical Genetics, University Hospital Muenster
Classification: Pathogenic for Arterial tortuosity syndrome. Last evaluated: 2022-02-08. Review status: criteria provided, single submitter. Criteria: ACMG Guidelines, 2015. Collection method: clinical testing. Allele origin: germline. Affected: yes. Observed: 1 variant allele, 1 heterozygote.
Comment: ACMG categories: PVS1,PP3,PP5

Revvity Omics, Revvity
Classification: Pathogenic for Arterial tortuosity syndrome. Last evaluated: 2020-06-12. Review status: criteria provided, single submitter. Criteria: ACMG Guidelines, 2015. Collection method: clinical testing. Allele origin: germline.

GeneDx
Classification: Likely pathogenic. Last evaluated: 2017-05-12. Review status: criteria provided, single submitter. Criteria: GeneDx Variant Classification (06012015). Collection method: clinical testing. Allele origin: germline. Affected: yes.
Comment: R444X is predicted to cause loss of normal protein function either by protein truncation or nonsense-mediated mRNA decay. Nemeth et al. (2016) performed in vivo studies from fibroblasts of the patient described by Drera et al. (2007) demonstrating the absence of mRNA due to nuclear mediated decay, with restoration of normal endomembrane transport of DAA when transfected with wild-type SCL10A2. Other nonsense variants in the SLC2A10 gene have been reported in Human Gene Mutation Database in association with ATS (Stenson et al., 2014). Furthermore, the R444X variant is not observed at asignificant frequency in large population cohorts (Lek et al., 2016; 1000 Genomes Consortium et al., 2015; Exome VariantServer). In summary, although R444X in the SLC2A10 gene is interpreted as a likely pathogenic variant

GeneReviews
No classification provided. Condition: Arterial tortuosity syndrome. Review status: no classification provided. Collection method: literature only. Allele origin: germline. Affected: yes. Not counted in ClinVar's aggregate classification.

Literature cited by the submitters: PubMed 17935213 (cited by Labcorp Genetics (formerly Invitae), Labcorp); PubMed 22488877 (cited by Labcorp Genetics (formerly Invitae), Labcorp); PubMed 23494979 (cited by Labcorp Genetics (formerly Invitae), Labcorp); PubMed 17163528 (cited by 4 submitters); PubMed 28829359 (cited by Women's Health and Genetics/Laboratory Corporation of America, LabCorp); PubMed 27153185 (cited by Women's Health and Genetics/Laboratory Corporation of America, LabCorp and Ambry Genetics); PubMed 26376865 (cited by Ambry Genetics); NCBI Bookshelf NBK253404 (cited by GeneReviews).

NM_030777.4(SLC2A10):c.1330C>T (p.Arg444Ter)

Gene: SLC2A10 (solute carrier family 2 member 10; plus strand). Cytogenetic location: 20q13.12.
Variant type: single nucleotide variant.
Coding change: c.1330C>T on transcript NM_030777.4 (MANE Select); coding-DNA position 1330, C replaced by T.
Protein change: p.Arg444Ter; replaces arginine 444 with a stop codon.
Molecular consequence: nonsense.
Genome position (GRCh38, 1-based): chr20:46,726,905, C>T. VCF-style: chr20-46726905-C-T. GRCh37 (hg19) VCF-style: chr20-45355544-C-T.
Other names: NP_110404.1:p.Arg444ter; short protein forms R444*.
Identifiers: ClinVar variation 161101 (VCV000161101.63), dbSNP rs370547023, ClinGen allele CA347799.